The following is an entry in ClinVar:

ClinVar aggregate classification (germline): Likely benign (1 of 4 stars; one submission).

gnomAD v4.1: 3 of 1,614,234 alleles (0.00019%); highest among the groups gnomAD compares: Non-Finnish European, 0.00025%; no homozygotes.

Submission:

CeGaT Center for Human Genetics Tuebingen
Classification: Likely benign. Last evaluated: 2026-05-01. Review status: criteria provided, single submitter. Criteria: CeGaT Center For Human Genetics Tuebingen Variant Classification Criteria Version 2. Collection method: clinical testing. Allele origin: germline. Affected: yes. Observed: 1 variant allele.
Comment: SNRNP200: BP4, BP7

NM_014014.5(SNRNP200):c.1500G>C (p.Leu500=)

Gene: SNRNP200 (small nuclear ribonucleoprotein U5 subunit 200; minus strand). Cytogenetic location: 2q11.2.
Variant type: single nucleotide variant.
Coding change: c.1500G>C on transcript NM_014014.5 (MANE Select); coding-DNA position 1500, G replaced by C.
Protein change: p.Leu500=; no amino-acid change (leucine 500 retained).
Molecular consequence: synonymous variant.
Genome position (GRCh38, 1-based): chr2:96,296,948, C>G on the plus strand (G>C on the coding strand, the complement: SNRNP200 is on the minus strand). VCF-style: chr2-96296948-C-G. GRCh37 (hg19) VCF-style: chr2-96962686-C-G.
Identifiers: ClinVar variation 4874993 (VCV004874993.2).